The following is an entry in ClinVar:

ClinVar aggregate classification (germline): Uncertain significance (1 of 4 stars; one submission).

Submission:

Labcorp Genetics (formerly Invitae), Labcorp
Classification: Uncertain significance. Last evaluated: 2025-01-07. Review status: criteria provided, single submitter. Criteria: Invitae Variant Classification Sherloc (09022015). Collection method: clinical testing. Allele origin: germline.
Comment: This sequence change replaces serine, which is neutral and polar, with threonine, which is neutral and polar, at codon 445 of the HK1 protein (p.Ser445Thr). This variant is not present in population databases (gnomAD no frequency). This variant has not been reported in the literature in individuals affected with HK1-related conditions. Invitae Evidence Modeling of protein sequence and biophysical properties (such as structural, functional, and spatial information, amino acid conservation, physicochemical variation, residue mobility, and thermodynamic stability) has been performed for this missense variant. However, the output from this modeling did not meet the statistical confidence thresholds required to predict the impact of this variant on HK1 protein function. This variant disrupts the p.Ser445 amino acid residue in HK1. Other variant(s) that disrupt this residue have been determined to be pathogenic (PMID: 30778173). This suggests that this residue is clinically significant, and that variants that disrupt this residue are likely to be disease-causing. In summary, the available evidence is currently insufficient to determine the role of this variant in disease. Therefore, it has been classified as a Variant of Uncertain Significance.

Literature cited by the submitters: PubMed 30778173.

NM_000188.3(HK1):c.1333T>A (p.Ser445Thr)

Gene: HK1 (hexokinase 1; plus strand). Cytogenetic location: 10q22.1.
Variant type: single nucleotide variant.
Coding change: c.1333T>A on transcript NM_000188.3 (MANE Select); coding-DNA position 1333, T replaced by A.
Protein change: p.Ser445Thr; replaces serine 445 with threonine.
Molecular consequence: missense variant.
Genome position (GRCh38, 1-based): chr10:69,382,554, T>A. VCF-style: chr10-69382554-T-A. GRCh37 (hg19) VCF-style: chr10-71142310-T-A.
Other names: c.1345T>A, p.Ser449Thr (NM_001322364.2, NM_001358263.1, NM_033497.3 and 1 more transcripts); c.1438T>A, p.Ser480Thr (NM_001322365.2); c.1249T>A, p.Ser417Thr (NM_001322366.1); c.1237T>A, p.Ser413Thr (NM_001322367.1); c.1330T>A, p.Ser444Thr (NM_033496.3); c.1297T>A, p.Ser433Thr (NM_033500.2); short protein forms S413T, S417T, S444T, S445T, S480T, S433T, S449T.
Identifiers: ClinVar variation 3665381 (VCV003665381.2).